The following is an entry in ClinVar:

NM_015338.6(ASXL1):c.1904A>G (p.Glu635Gly)

Gene: ASXL1 (ASXL transcriptional regulator 1; plus strand). Cytogenetic location: 20q11.21.
Variant type: single nucleotide variant.
Coding change: c.1904A>G on transcript NM_015338.6 (MANE Select); coding-DNA position 1904, A replaced by G.
Protein change: p.Glu635Gly; replaces glutamic acid 635 with glycine.
Molecular consequence: missense variant.
Genome position (GRCh38, 1-based): chr20:32,434,616, A>G. VCF-style: chr20-32434616-A-G. GRCh37 (hg19) VCF-style: chr20-31022419-A-G.
Other names: c.1721A>G, p.Glu574Gly (NM_001363734.1); short protein forms E635G, E574G.
Identifiers: ClinVar variation 2880199 (VCV002880199.3), dbSNP rs746706200, ClinGen allele CA9808480.

ClinVar aggregate classification (germline): Uncertain significance (1 of 4 stars; one submission).

Allele frequency attached by ClinVar (database versions not stated): gnomAD exomes below 0.00001; TOPMed below 0.00001; ExAC 0.00001.
gnomAD v4.1: 3 of 1,609,930 alleles (0.00019%); highest among the groups gnomAD compares: South Asian, 0.0011%; no homozygotes.

Submission:

Labcorp Genetics (formerly Invitae), Labcorp
Classification: Uncertain significance. Last evaluated: 2023-06-21. Review status: criteria provided, single submitter. Criteria: Invitae Variant Classification Sherloc (09022015). Collection method: clinical testing. Allele origin: germline.
Comment: This sequence change replaces glutamic acid, which is acidic and polar, with glycine, which is neutral and non-polar, at codon 635 of the ASXL1 protein (p.Glu635Gly). This variant is present in population databases (rs746706200, gnomAD 0.007%). This variant has not been reported in the literature in individuals affected with ASXL1-related conditions. An algorithm developed to predict the effect of missense changes on protein structure and function (PolyPhen-2) suggests that this variant is likely to be disruptive. In summary, the available evidence is currently insufficient to determine the role of this variant in disease. Therefore, it has been classified as a Variant of Uncertain Significance.